The following is an entry in ClinVar:

ClinVar aggregate classification (germline): Likely pathogenic (1 of 4 stars; one submission).

Conditions:
Primary dilated cardiomyopathy (DCM). Also called: Dilated Cardiomyopathy. Identifiers: Orphanet 217604, MedGen C0007193, MeSH D002311, MONDO:0005021, HP:0001644. Inheritance: Various modes of inheritance.

Submission:

Lildballe Lab, Aarhus University Hospital
Classification: Likely pathogenic for dilated cardiomyopathy. Last evaluated: 2024-03-01. Review status: criteria provided, single submitter. Criteria: ACMG Guidelines, 2015. Collection method: research. Allele origin: germline. Affected: yes.
Comment: PVS1(vs), PM2(sup)

Literature cited by the submitters: PubMed 25741929; PubMed 39481677.

NM_001267550.2(TTN):c.60415A>T (p.Lys20139Ter)

Genes: TTN (titin; minus strand), TTN-AS1 (TTN antisense RNA 1; plus strand). Cytogenetic location: 2q31.2.
Variant type: single nucleotide variant.
Coding change: c.60415A>T on transcript NM_001267550.2 (MANE Select); coding-DNA position 60415, A replaced by T.
Protein change: p.Lys20139Ter; replaces lysine 20139 with a stop codon.
Molecular consequence: nonsense. On other transcripts: non-coding transcript variant (1).
Genome position (GRCh38, 1-based): chr2:178,591,310, T>A on the plus strand (A>T on the coding strand, the complement: TTN is on the minus strand). VCF-style: chr2-178591310-T-A. GRCh37 (hg19) VCF-style: chr2-179456037-T-A.
Other names: c.55492A>T, p.Lys18498Ter (NM_001256850.1); c.33220A>T, p.Lys11074Ter (NM_003319.4); c.52711A>T, p.Lys17571Ter (NM_133378.4); c.33595A>T, p.Lys11199Ter (NM_133432.3); c.33796A>T, p.Lys11266Ter (NM_133437.4); short protein forms K11074*, K11199*, K11266*, K17571*, K18498*, K20139*.
Identifiers: ClinVar variation 3338350 (VCV003338350.1).
Genomic context (GRCh38, chr2:178,591,310, plus strand): 5'-TACCGGCTGCATTGGAAACTGTGATTTGATATTCCCCAGTGTCTCTCCTTAAGCAGTTCT[T>A]AATGGTAAGTACTGATGAGAAGTTGTCTGTTTCAACTGTGTAGTGCTCATCGGTTTTAAT-3'